The following is an entry in ClinVar:

NM_000059.4(BRCA2):c.6246del (p.Glu2082fs)

Gene: BRCA2 (BRCA2 DNA repair associated; plus strand). Cytogenetic location: 13q13.1.
Variant type: Deletion.
Coding change: c.6246del on transcript NM_000059.4 (MANE Select); coding-DNA position 6246, one base deleted (A; older notation c.6246delA).
Protein change: p.Glu2082fs; shifts the reading frame from glutamic acid 2082.
Molecular consequence: frameshift variant.
Genome position (GRCh38, 1-based): chr13:32,340,601, A deleted; the last of 2 consecutive A bases (chr13:32,340,600-32,340,601); deleting either gives the same sequence. VCF-style (leftmost placement, unchanged base first): chr13-32340599-GA-G. GRCh37 (hg19) VCF-style: chr13-32914736-GA-G.
Other names: 6474delA; short protein forms E2082fs.
Identifiers: ClinVar variation 266932 (VCV000266932.9), dbSNP rs886040643, ClinGen allele CA10589362.

ClinVar aggregate classification (germline): Pathogenic. Review status: reviewed by expert panel (3 of 4 stars). 3 submissions from 3 submitters: Pathogenic (1). 2 of the submissions do not count toward it. Last evaluated 2016-10-18.

Conditions:
Breast-ovarian cancer, familial, susceptibility to, 2 (BROVCA2). Also called: BRCA2 Hereditary Breast and Ovarian Cancer. Identifiers: Orphanet 145, MedGen C2675520, MONDO:0012933, OMIM 612555. Disease mechanism: loss of function.
Hereditary breast ovarian cancer syndrome. Also called: BRCA1- and BRCA2-Associated Hereditary Breast and Ovarian Cancer; Hereditary breast and ovarian cancer; Breast and ovarian cancer; Hereditary breast and/or ovarian cancer syndrome; Hereditary breast and ovarian cancer syndrome; Hereditary breast and ovarian cancer syndrome (HBOC). Identifiers: Orphanet 145, MedGen C0677776, MeSH D061325, MONDO:0003582. Disease mechanism: loss of function.

Submissions (3):

Evidence-based Network for the Interpretation of Germline Mutant Alleles (ENIGMA)
Classification: Pathogenic for Breast-ovarian cancer, familial, susceptibility to, 2. Last evaluated: 2016-10-18. Review status: reviewed by expert panel. Criteria: ENIGMA BRCA1/2 Classification Criteria (2015). Collection method: curation. Allele origin: germline.
Comment: Variant allele predicted to encode a truncated non-functional protein.

Labcorp Genetics (formerly Invitae), Labcorp
Classification: Pathogenic for Hereditary breast ovarian cancer syndrome. Last evaluated: 2025-01-08. Review status: criteria provided, single submitter. Criteria: Invitae Variant Classification Sherloc (09022015). Collection method: clinical testing. Allele origin: germline. Not counted in ClinVar's aggregate classification.
Comment: This sequence change creates a premature translational stop signal (p.Glu2082Aspfs*4) in the BRCA2 gene. It is expected to result in an absent or disrupted protein product. Loss-of-function variants in BRCA2 are known to be pathogenic (PMID: 20104584). This variant is not present in population databases (gnomAD no frequency). This premature translational stop signal has been observed in individual(s) with BRCA2-related conditions (PMID: 31954625, 33461583). ClinVar contains an entry for this variant (Variation ID: 266932). For these reasons, this variant has been classified as Pathogenic.

Consortium of Investigators of Modifiers of BRCA1/2 (CIMBA), c/o University of Cambridge
Classification: Pathogenic for Breast-ovarian cancer, familial, susceptibility to, 2. Last evaluated: 2015-10-02. Review status: criteria provided, single submitter. Criteria: CIMBA Mutation Classification guidelines May 2016. Collection method: clinical testing. Allele origin: germline. Not counted in ClinVar's aggregate classification.

Literature cited by the submitters: PubMed 20104584 (cited by Labcorp Genetics (formerly Invitae), Labcorp); PubMed 31954625 (cited by Labcorp Genetics (formerly Invitae), Labcorp); PubMed 33461583 (cited by Labcorp Genetics (formerly Invitae), Labcorp).